The following is an entry in ClinVar:

ClinVar aggregate classification (germline): Likely benign. Review status: criteria provided, multiple submitters, no conflicts (2 of 4 stars). 2 submissions from 2 submitters: Likely benign (2). Last evaluated 2026-04-14.

Conditions:
Familial intrahepatic cholestasis. Identifiers: Orphanet 284385, MedGen CN296401, MONDO:0017290.
ABCB11-related disorder. Also called: ABCB11-related condition.

gnomAD v4.1: 12 of 1,612,272 alleles (0.00074%); highest among the groups gnomAD compares: South Asian, 0.0011%; no homozygotes.

Submissions (2):

Genomenon, Inc
Classification: Likely benign for Familial intrahepatic cholestasis. Last evaluated: 2026-04-14. Review status: criteria provided, single submitter. Criteria: Genomenon Sequence Variant Interpretation Standards - Updated. Collection method: curation. Allele origin: germline. Affected: no.
Comment: ABCB11 c.1671C>T is a synonymous variant that retains Glycine at residue 557. This variant has been reported in the published literature (PMID:20010382;22795478). It is absent or not present at a significant frequency in gnomAD. This synonymous variant is not predicted to impact splicing. In conclusion, we classify ABCB11 p.Gly557= (c.1671C>T) as a likely benign variant.

PreventionGenetics, part of Exact Sciences
Classification: Likely benign for ABCB11-related condition. Last evaluated: 2025-06-04. Review status: criteria provided, single submitter. Criteria: ACMG Guidelines, 2015. Collection method: clinical testing. Allele origin: germline.
Comment: This variant is classified as likely benign based on ACMG/AMP sequence variant interpretation guidelines (Richards et al. 2015 PMID: 25741868, with internal and published modifications).

Literature cited by the submitters: PubMed 20010382 (cited by Genomenon, Inc); PubMed 22795478 (cited by Genomenon, Inc).

NM_003742.4(ABCB11):c.1671C>T (p.Gly557=)

Gene: ABCB11 (ATP binding cassette subfamily B member 11; minus strand). Cytogenetic location: 2q31.1.
Variant type: single nucleotide variant.
Coding change: c.1671C>T on transcript NM_003742.4 (MANE Select); coding-DNA position 1671, C replaced by T.
Protein change: p.Gly557=; no amino-acid change (glycine 557 retained).
Molecular consequence: synonymous variant.
Genome position (GRCh38, 1-based): chr2:168,970,183, G>A on the plus strand (C>T on the coding strand, the complement: ABCB11 is on the minus strand). VCF-style: chr2-168970183-G-A. GRCh37 (hg19) VCF-style: chr2-169826693-G-A.
Other names: c.1671C>T (NM_003742.2).
Identifiers: ClinVar variation 4846027 (VCV004846027.2).